The following is an entry in ClinVar:

NM_004184.4(WARS1):c.1113+8G>A

Gene: WARS1 (tryptophanyl-tRNA synthetase 1; minus strand). Cytogenetic location: 14q32.2.
Variant type: single nucleotide variant.
Coding change: c.1113+8G>A on transcript NM_004184.4 (MANE Select); 8 bases into the intron after coding-DNA position 1113, G replaced by A.
Molecular consequence: intron variant.
Genome position (GRCh38, 1-based): chr14:100,342,390, C>T on the plus strand (G>A on the coding strand, the complement: WARS1 is on the minus strand). VCF-style: chr14-100342390-C-T. GRCh37 (hg19) VCF-style: chr14-100808727-C-T.
Other names: p.?; c.990+8G>A (NM_213645.2, NM_213646.2); c.1113+8G>A (NM_173701.2).
Identifiers: ClinVar variation 4683928 (VCV004683928.2).

ClinVar aggregate classification (germline): Likely benign. Review status: criteria provided, multiple submitters, no conflicts (2 of 4 stars). 2 submissions from 2 submitters: Likely benign (2). Last evaluated 2025-12-16.

gnomAD v4.1: 81 of 1,613,378 alleles (0.005%); highest among the groups gnomAD compares: Middle Eastern, 0.26%; no homozygotes.

Submissions (2):

Women's Health and Genetics/Laboratory Corporation of America, LabCorp
Classification: Likely benign. Last evaluated: 2025-12-16. Review status: criteria provided, single submitter. Criteria: LabCorp Variant Classification Summary - May 2015. Collection method: clinical testing. Allele origin: germline.
Comment: Variant summary: WARS1 c.1113+8G>A alters a nucleotide located at a position not widely known to affect splicing. Consensus agreement among computation tools predict no significant impact on normal splicing. However, these predictions have yet to be confirmed by functional studies. The variant allele was found at a frequency of 5e-05 in 1613378 control chromosomes. This frequency is not significantly higher than estimated for disease-causing variants in WARS1, allowing no conclusion about variant significance. To our knowledge, no occurrence of c.1113+8G>A in individuals affected with WARS1-related conditions and no experimental evidence demonstrating its impact on protein function have been reported. No submitters have cited clinical-significance assessments for this variant to ClinVar. Based on the evidence outlined above, the variant was classified as likely benign.

Mayo Clinic Laboratories, Mayo Clinic
Classification: Likely benign. Last evaluated: 2025-07-29. Review status: criteria provided, single submitter. Criteria: ACMG Guidelines, 2015. Collection method: clinical testing. Allele origin: germline. Observed: 1 variant allele.
Comment: BP4, BP7